The following is an entry in ClinVar:

ClinVar aggregate classification (germline): Likely pathogenic (1 of 4 stars; one submission).

Conditions:
Dilated cardiomyopathy 1G (CMD1G). Identifiers: Orphanet 154, MedGen C1858763, MONDO:0011400, OMIM 604145.
Autosomal recessive limb-girdle muscular dystrophy type 2J (LGMDR10). Also called: Limb-girdle muscular dystrophy, type 2J; MUSCULAR DYSTROPHY, LIMB-GIRDLE, AUTOSOMAL RECESSIVE 10. Identifiers: Orphanet 140922, MedGen C1837342, MONDO:0012127, OMIM 608807.

Submission:

Labcorp Genetics (formerly Invitae), Labcorp
Classification: Likely pathogenic for Dilated cardiomyopathy 1G; Autosomal recessive limb-girdle muscular dystrophy type 2J. Last evaluated: 2024-06-11. Review status: criteria provided, single submitter. Criteria: Invitae Variant Classification Sherloc (09022015). Collection method: clinical testing. Allele origin: germline.
Comment: This sequence change creates a premature translational stop signal (p.Gly28297Alafs*4) in the TTN gene. While this is not anticipated to result in nonsense mediated decay, it is expected to create a truncated TTN protein. This variant is not present in population databases (gnomAD no frequency). This variant has not been reported in the literature in individuals affected with TTN-related conditions. This variant is located in the A band of TTN (PMID: 25589632). Truncating variants in this region are significantly overrepresented in patients affected with dilated cardiomyopathy (PMID: 25589632). Truncating variants in this region have also been reported in individuals affected with autosomal recessive centronuclear myopathy (PMID: 23975875). In summary, the currently available evidence indicates that the variant is pathogenic, but additional data are needed to prove that conclusively. Therefore, this variant has been classified as Likely Pathogenic.

Literature cited by the submitters: PubMed 25589632; PubMed 23975875.

NM_001267550.2(TTN):c.84890del (p.Gly28297fs)

Genes: TTN-AS1 (TTN antisense RNA 1; plus strand), TTN (titin; minus strand). Cytogenetic location: 2q31.2.
Variant type: Deletion.
Coding change: c.84890del on transcript NM_001267550.2 (MANE Select); coding-DNA position 84890, one base deleted (G; older notation c.84890delG).
Protein change: p.Gly28297fs; shifts the reading frame from glycine 28297.
Molecular consequence: frameshift variant.
Genome position (GRCh38, 1-based): chr2:178,561,242, C deleted on the plus strand (G on the coding strand, the reverse complement: TTN is on the minus strand); the first of 2 consecutive C bases (chr2:178,561,242-178,561,243); deleting either gives the same sequence. VCF-style (leftmost placement, unchanged base first): chr2-178561241-GC-G. GRCh37 (hg19) VCF-style: chr2-179425968-GC-G.
Other names: c.79967del, p.Gly26656fs (NM_001256850.1); c.57695del, p.Gly19232fs (NM_003319.4); c.77186del, p.Gly25729fs (NM_133378.4); c.58070del, p.Gly19357fs (NM_133432.3); c.58271del, p.Gly19424fs (NM_133437.4); short protein forms G19232fs, G19357fs, G19424fs, G25729fs, G26656fs, G28297fs.
Identifiers: ClinVar variation 3756764 (VCV003756764.2).